The following is an entry in ClinVar:

ClinVar aggregate classification (germline): Uncertain significance (1 of 4 stars; one submission).

Allele frequency attached by ClinVar (database versions not stated): gnomAD exomes below 0.00001; gnomAD 0.00003; TOPMed 0.00003.

Submission:

Greenwood Genetic Center Diagnostic Laboratories, Greenwood Genetic Center
Classification: Uncertain significance. Last evaluated: 2021-01-04. Review status: criteria provided, single submitter. Criteria: ACMG Guidelines, 2015. Collection method: clinical testing. Allele origin: germline. Affected: yes.
Comment: PM2

NM_000080.4(CHRNE):c.1032+25C>T

Gene: CHRNE (cholinergic receptor nicotinic epsilon subunit; minus strand). Cytogenetic location: 17p13.2.
Variant type: single nucleotide variant.
Coding change: c.1032+25C>T on transcript NM_000080.4 (MANE Select); 25 bases into the intron after coding-DNA position 1032, C replaced by T.
Molecular consequence: intron variant.
Genome position (GRCh38, 1-based): chr17:4,899,443, G>A on the plus strand (C>T on the coding strand, the complement: CHRNE is on the minus strand). VCF-style: chr17-4899443-G-A. GRCh37 (hg19) VCF-style: chr17-4802738-G-A.
Identifiers: ClinVar variation 1331650 (VCV001331650.4), dbSNP rs906186521, ClinGen allele CA287180508.